The following is an entry in ClinVar:

NM_000548.5(TSC2):c.1014C>T (p.Ile338=)

Gene: TSC2 (TSC complex subunit 2; plus strand). Cytogenetic location: 16p13.3.
Variant type: single nucleotide variant.
Coding change: c.1014C>T on transcript NM_000548.5 (MANE Select); coding-DNA position 1014, C replaced by T.
Protein change: p.Ile338=; no amino-acid change (isoleucine 338 retained).
Molecular consequence: synonymous variant.
Genome position (GRCh38, 1-based): chr16:2,060,708, C>T. VCF-style: chr16-2060708-C-T. GRCh37 (hg19) VCF-style: chr16-2110709-C-T.
Other names: c.1014C>T, p.Ile338= (NM_001077183.3, NM_001114382.3, NM_001363528.2 and 3 more transcripts); c.903C>T, p.Ile301= (NM_001318827.2); c.867C>T, p.Ile289= (NM_001318829.2); c.414C>T, p.Ile138= (NM_001318831.2); c.1047C>T, p.Ile349= (NM_001318832.2).
Identifiers: ClinVar variation 1110160 (VCV001110160.15), dbSNP rs1250621196, ClinGen allele CA492960690.
Genomic context (GRCh38, chr16:2,060,708, plus strand): 5'-GCTGGCCGGGCTCGTGTTCCAGGCCATGGCATGTCCGAACGAGGTGGTGTCCTATGAGAT[C>T]GTCCTGTCCATCACCAGGCTCATCAAGAAGTATAGGAAGGAGCTCCAGGTGGTGGCGTGG-3'
Protein context (NP_000539.2, residues 328-348): ACPNEVVSYE[Ile338=]VLSITRLIKK

ClinVar aggregate classification (germline): Conflicting classifications of pathogenicity. Review status: criteria provided, conflicting classifications (1 of 4 stars). 5 submissions from 5 submitters: Uncertain significance (1); Benign (1); Likely benign (3). Last evaluated 2026-01-24.

Conditions:
Tuberous sclerosis syndrome (TSC). Also called: Tuberous sclerosis; Tuberous Sclerosis Complex. Identifiers: Orphanet 805, MedGen C0041341, MONDO:0001734.
Hereditary cancer-predisposing syndrome. Also called: Hereditary neoplastic syndrome; Tumor predisposition; Neoplastic Syndromes, Hereditary; Hereditary Cancer Syndrome. Identifiers: Orphanet 140162, MedGen C0027672, MeSH D009386, MONDO:0015356.
Tuberous sclerosis 2 (TSC2). Identifiers: Orphanet 805, MedGen C1860707, MONDO:0013199, OMIM 613254.

Allele frequency attached by ClinVar (database versions not stated): gnomAD exomes below 0.00001.

Submissions (5):

Labcorp Genetics (formerly Invitae), Labcorp
Classification: Likely benign for Tuberous sclerosis 2. Last evaluated: 2026-01-24. Review status: criteria provided, single submitter. Criteria: Invitae Variant Classification Sherloc (09022015). Collection method: clinical testing. Allele origin: germline.

Color Diagnostics, LLC DBA Color Health
Classification: Uncertain significance for Tuberous sclerosis syndrome. Last evaluated: 2025-07-23. Review status: criteria provided, single submitter. Criteria: ACMG Guidelines, 2015. Collection method: clinical testing. Allele origin: germline.
Comment: This variant is a synonymous variant located at codon 338 in the TSC2 protein. Splice prediction tools suggest that this variant may disrupt RNA splicing. To our knowledge, RNA studies have not been reported for this variant. This variant has not been reported in individuals affected with TSC2-related disorders in the literature. This variant has been identified in 1/251378 chromosomes in the general population by the Genome Aggregation Database (gnomAD). The available evidence is insufficient to determine the role of this variant in disease conclusively. Therefore, this variant is classified as a Variant of Uncertain Significance.

Myriad Genetics, Inc.
Classification: Benign for Tuberous sclerosis 2. Last evaluated: 2025-05-13. Review status: criteria provided, single submitter. Criteria: Myriad Autosomal Dominant, Autosomal Recessive and X-Linked Classification Criteria (2023). Collection method: clinical testing. Allele origin: unknown.
Comment: This variant is considered benign. This variant is a silent/synonymous amino acid change and it is not expected to impact splicing.

Ambry Genetics
Classification: Likely benign for Hereditary cancer-predisposing syndrome. Last evaluated: 2025-01-13. Review status: criteria provided, single submitter. Criteria: Ambry Variant Classification Scheme 2023. Collection method: clinical testing. Allele origin: germline.

Sema4
Classification: Likely benign for Hereditary cancer-predisposing syndrome. Last evaluated: 2021-09-10. Review status: criteria provided, single submitter. Criteria: Sema4 Curation Guidelines. Collection method: curation. Allele origin: germline.